The following is an entry in ClinVar:

ClinVar aggregate classification (germline): Uncertain significance (1 of 4 stars; one submission).

Conditions:
Arrhythmogenic cardiomyopathy with wooly hair and keratoderma. Also called: PALMOPLANTAR KERATODERMA WITH LEFT VENTRICULAR CARDIOMYOPATHY AND WOOLLY HAIR; Carvajal syndrome; Dilated cardiomyopathy with woolly hair and keratoderma; Arrhythmogenic cardiomyopathy with woolly hair and keratoderma. Identifiers: Orphanet 65282, MedGen C1854063, MONDO:0011581, OMIM 605676.

Allele frequency attached by ClinVar (database versions not stated): TOPMed below 0.00001.

Submission:

All of Us Research Program, National Institutes of Health
Classification: Uncertain significance for Arrhythmogenic cardiomyopathy with wooly hair and keratoderma. Last evaluated: 2024-03-05. Review status: criteria provided, single submitter. Criteria: ACMG Guidelines, 2015. Collection method: clinical testing. Allele origin: germline. Inheritance: Autosomal dominant inheritance. Observed: 2 variant alleles, 2 heterozygotes.
Comment: This variant causes an in-frame insertion of two amino acids at exon 24 of the DSP protein. To our knowledge, functional studies have not been reported for this variant. This variant has not been reported in individuals affected with DSP-related disorders in the literature. This variant has not been identified in the general population by the Genome Aggregation Database (gnomAD). The available evidence is insufficient to determine the role of this variant in disease conclusively. Therefore, this variant is classified as a Variant of Uncertain Significance.

This study involves interpretation of variants in research participants for the purpose of population health screening. Participant phenotype was not available at the time of variant classification. Additional details can be found in publication PMID: 35346344, PMCID: PMC8962531

NM_004415.4(DSP):c.7542_7543insCGTGGT (p.Ser2514_Thr2515insArgGly)

Gene: DSP (desmoplakin; plus strand). Cytogenetic location: 6p24.3.
Variant type: Insertion.
Coding change: c.7542_7543insCGTGGT on transcript NM_004415.4 (MANE Select); coding-DNA positions 7542 to 7543, CGTGGT inserted.
Protein change: p.Ser2514_Thr2515insArgGly.
Molecular consequence: inframe insertion.
Genome position: GRCh38 VCF-style: chr6-7584804-C-CCGTGGT. GRCh37 (hg19) VCF-style: chr6-7585037-C-CCGTGGT.
Other names: c.5745_5746insCGTGGT, p.Ser1915_Thr1916insArgGly (NM_001008844.3); c.6213_6214insCGTGGT, p.Ser2071_Thr2072insArgGly (NM_001319034.2).
Identifiers: ClinVar variation 3072424 (VCV003072424.2), dbSNP rs977176306, ClinGen allele CA133976067.
Genomic context (GRCh38, chr6:7,584,804, plus strand): 5'-AGAACTGTGTGAGCAGGAATGTGAATGGGAAGAAATAACCATCACGGGATCAGATGGCTC[C>CCGTGGT]ACCAGGGTGGTCCTGGTAGATAGAAAGACAGGCAGTCAGTATGATATTCAAGATGCTATT-3'